The following is an entry in ClinVar:

NM_006363.6(SEC23B):c.1233+4C>T

Gene: SEC23B (SEC23 homolog B, COPII component; plus strand). Cytogenetic location: 20p11.23.
Variant type: single nucleotide variant.
Coding change: c.1233+4C>T on transcript NM_006363.6 (MANE Select); 4 bases into the intron after coding-DNA position 1233, C replaced by T.
Molecular consequence: intron variant.
Genome position (GRCh38, 1-based): chr20:18,530,807, C>T. VCF-style: chr20-18530807-C-T. GRCh37 (hg19) VCF-style: chr20-18511451-C-T.
Other names: p.?; c.1233+4C>T (NM_032986.5, NM_001172745.3, NM_032985.6); c.1179+4C>T (NM_001172746.3).
Identifiers: ClinVar variation 654136 (VCV000654136.8), dbSNP rs201883785, ClinGen allele CA9778259.

ClinVar aggregate classification (germline): Uncertain significance. Review status: criteria provided, multiple submitters, no conflicts (2 of 4 stars). 2 submissions from 2 submitters: Uncertain significance (2). Last evaluated 2025-05-15.

Conditions:
Congenital dyserythropoietic anemia, type II (CDAN2). Also called: DYSERYTHROPOIETIC ANEMIA, HEMPAS TYPE. Identifiers: Orphanet 98873, MedGen C1306589, MONDO:0009134, OMIM 224100.
Cowden syndrome 7 (CWS7). Identifiers: Orphanet 201, MedGen C4225179, MONDO:0014802, OMIM 616858.

Allele frequency attached by ClinVar (database versions not stated): gnomAD exomes 0.00015 and 0.00024; ExAC 0.00026; TOPMed 0.00034; gnomAD 0.00040 and 0.00043; ESP Exome Variant Server 0.00046; 1000 Genomes Project 30x 0.00156; 1000 Genomes Project 0.00160.
gnomAD v4.1: 274 of 1,563,488 alleles (0.018%); highest among the groups gnomAD compares: African/African-American, 0.12%; 1 homozygote.

Submissions (2):

Mayo Clinic Laboratories, Mayo Clinic
Classification: Uncertain significance. Last evaluated: 2025-05-15. Review status: criteria provided, single submitter. Criteria: ACMG Guidelines, 2015. Collection method: clinical testing. Allele origin: germline. Observed: 4 variant alleles.

Labcorp Genetics (formerly Invitae), Labcorp
Classification: Uncertain significance for Congenital dyserythropoietic anemia, type II; Cowden syndrome 7. Last evaluated: 2022-08-31. Review status: criteria provided, single submitter. Criteria: Invitae Variant Classification Sherloc (09022015). Collection method: clinical testing. Allele origin: germline.
Comment: This sequence change falls in intron 10 of the SEC23B gene. It does not directly change the encoded amino acid sequence of the SEC23B protein. It affects a nucleotide within the consensus splice site. This variant is present in population databases (rs201883785, gnomAD 0.1%). This variant has been observed in individual(s) with dyserythropoietic anemia type 2 (PMID: 34201899). ClinVar contains an entry for this variant (Variation ID: 654136). Variants that disrupt the consensus splice site are a relatively common cause of aberrant splicing (PMID: 17576681, 9536098). Algorithms developed to predict the effect of sequence changes on RNA splicing suggest that this variant is not likely to affect RNA splicing. In summary, the available evidence is currently insufficient to determine the role of this variant in disease. Therefore, it has been classified as a Variant of Uncertain Significance.

Literature cited by the submitters: PubMed 34201899 (cited by Mayo Clinic Laboratories, Mayo Clinic and Labcorp Genetics (formerly Invitae), Labcorp); PubMed 37558589 (cited by Mayo Clinic Laboratories, Mayo Clinic); PubMed 17576681 (cited by Labcorp Genetics (formerly Invitae), Labcorp); PubMed 9536098 (cited by Labcorp Genetics (formerly Invitae), Labcorp).